The following is an entry in ClinVar:

ClinVar aggregate classification (germline): Uncertain significance (1 of 4 stars; one submission).

Conditions:
Hereditary sensory neuropathy-deafness-dementia syndrome. Also called: Hereditary Sensory and Autonomic Neuropathy Type 1E (HSAN1E); NEUROPATHY, HEREDITARY SENSORY, WITH HEARING LOSS AND DEMENTIA; HSN IE; Hereditary sensory neuropathy type IE. Identifiers: Orphanet 456318, MedGen C3279885, MONDO:0013584, OMIM 614116.

Submission:

Labcorp Genetics (formerly Invitae), Labcorp
Classification: Uncertain significance for Hereditary sensory neuropathy-deafness-dementia syndrome. Last evaluated: 2024-09-21. Review status: criteria provided, single submitter. Criteria: Invitae Variant Classification Sherloc (09022015). Collection method: clinical testing. Allele origin: germline.
Comment: This sequence change replaces valine, which is neutral and non-polar, with leucine, which is neutral and non-polar, at codon 1072 of the DNMT1 protein (p.Val1072Leu). This variant is not present in population databases (gnomAD no frequency). This variant has not been reported in the literature in individuals affected with DNMT1-related conditions. Invitae Evidence Modeling of protein sequence and biophysical properties (such as structural, functional, and spatial information, amino acid conservation, physicochemical variation, residue mobility, and thermodynamic stability) indicates that this missense variant is not expected to disrupt DNMT1 protein function with a negative predictive value of 80%. In summary, the available evidence is currently insufficient to determine the role of this variant in disease. Therefore, it has been classified as a Variant of Uncertain Significance.

NM_001130823.3(DNMT1):c.3214G>C (p.Val1072Leu)

Gene: DNMT1 (DNA methyltransferase 1; minus strand). Cytogenetic location: 19p13.2.
Variant type: single nucleotide variant.
Coding change: c.3214G>C on transcript NM_001130823.3 (MANE Select); coding-DNA position 3214, G replaced by C.
Protein change: p.Val1072Leu; replaces valine 1072 with leucine.
Molecular consequence: missense variant.
Genome position (GRCh38, 1-based): chr19:10,142,123, C>G on the plus strand (G>C on the coding strand, the complement: DNMT1 is on the minus strand). VCF-style: chr19-10142123-C-G. GRCh37 (hg19) VCF-style: chr19-10252799-C-G.
Other names: c.3166G>C, p.Val1056Leu (NM_001318730.2, NM_001379.4); c.2851G>C, p.Val951Leu (NM_001318731.2); short protein forms V1072L, V951L, V1056L.
Identifiers: ClinVar variation 3667022 (VCV003667022.2).